The following is an entry in ClinVar:

ClinVar aggregate classification (germline): Uncertain significance (1 of 4 stars; one submission).

Conditions:
Warsaw breakage syndrome (WABS). Also called: DDX11-Related Cohesinopathy. Identifiers: Orphanet 280558, MedGen C3150658, MONDO:0013252, OMIM 613398.

Allele frequency attached by ClinVar (database versions not stated): gnomAD exomes 0.00001.
gnomAD v4.1: 18 of 1,612,932 alleles (0.0011%); highest among the groups gnomAD compares: Non-Finnish European, 0.0015%; no homozygotes.

Submission:

Victorian Clinical Genetics Services, Murdoch Childrens Research Institute
Classification: Uncertain significance for Warsaw breakage syndrome. Last evaluated: 2020-05-26. Review status: criteria provided, single submitter. Criteria: ACMG Guidelines, 2015. Collection method: clinical testing. Allele origin: germline. Inheritance: Autosomal recessive inheritance. Affected: yes.
Comment: Based on the classification scheme VCGS_Germline_v1.1.1, this variant is classified as 3C-VUS. Following criteria are met: 0102 - Loss-of-function is a known mechanism of disease for this gene. (N) 0106 - This gene is known to be associated with autosomal recessive disease. (N) 0200 - Variant is predicted to result in a missense amino acid change from histidine to tyrosine (exon 8). (N) 0251 - Variant is heterozygous. (N) 0304 - Variant is present in gnomAD <0.01 for a recessive condition (3 heterozygotes, 0 homozygotes). (P) 0309 - An alternative amino acid change at the same position has been observed in gnomAD (2 heterozygotes, 0 homozygotes). (N) 0504 - Same amino acid change has been observed in mammals. (B) 0600 - Variant is located in an annotated domain or motif (DEAD 2 domain; PDB). (N) 0705 - No comparable variants have previous evidence for pathogenicity. (N) 0807 - Variant has not previously been reported in a clinical context. (N) 0905 - No segregation evidence has been identified for this variant. (N) 1007 - No published functional evidence has been identified for this variant. (N) 1208 - Inheritance information for this variant is not currently available. (N) Legend: (P) - Pathogenic, (N) - Neutral, (B) - Benign

NM_030653.4(DDX11):c.877C>T (p.His293Tyr)

Gene: DDX11 (DEAD/H-box helicase 11; plus strand). Cytogenetic location: 12p11.21.
Variant type: single nucleotide variant.
Coding change: c.877C>T on transcript NM_030653.4 (MANE Select); coding-DNA position 877, C replaced by T.
Protein change: p.His293Tyr; replaces histidine 293 with tyrosine.
Molecular consequence: missense variant.
Genome position (GRCh38, 1-based): chr12:31,089,487, C>T. VCF-style: chr12-31089487-C-T. GRCh37 (hg19) VCF-style: chr12-31242421-C-T.
Other names: c.799C>T, p.His267Tyr (NM_001413698.1, NM_001413699.1, NM_001257145.2 and 1 more transcripts); c.790C>T, p.His264Tyr (NM_001413700.1); c.349C>T, p.His117Tyr (NM_001413702.1, NM_001413703.1); c.16C>T, p.His6Tyr (NM_001413704.1, NM_001413705.1); c.877C>T, p.His293Tyr (NM_004399.3, NM_152438.2, NM_001257144.2 and 5 more transcripts); short protein forms H117Y, H264Y, H267Y, H293Y, H6Y.
Identifiers: ClinVar variation 1805319 (VCV001805319.1), dbSNP rs1426970754, ClinGen allele CA384242660.